The following is an entry in ClinVar:

NM_198576.4(AGRN):c.2882T>A (p.Ile961Asn)

Gene: AGRN (agrin; plus strand). Cytogenetic location: 1p36.33.
Variant type: single nucleotide variant.
Coding change: c.2882T>A on transcript NM_198576.4 (MANE Select); coding-DNA position 2882, T replaced by A.
Protein change: p.Ile961Asn; replaces isoleucine 961 with asparagine.
Molecular consequence: missense variant.
Genome position (GRCh38, 1-based): chr1:1,046,236, T>A. VCF-style: chr1-1046236-T-A. GRCh37 (hg19) VCF-style: chr1-981616-T-A.
Other names: c.2882T>A, p.Ile961Asn (NM_001305275.2); c.2567T>A, p.Ile856Asn (NM_001364727.2); short protein forms I856N, I961N.
Identifiers: ClinVar variation 1439094 (VCV001439094.8), dbSNP rs2100657894, ClinGen allele CA337844494.
Genomic context (GRCh38, chr1:1,046,236, plus strand): 5'-GAGTCACATACGGCAACGAGTGTCAGCTGAAGACCATCGCCTGCCGCCAGGGCCTGCAAA[T>A]CTCTATCCAGAGCCTGGGCCCGTGCCAGGGTGAGGCCTGACGGCCACTGCCCCAGAACTG-3'
Protein context (NP_940978.2, residues 951-971): KTIACRQGLQ[Ile961Asn]SIQSLGPCQE

ClinVar aggregate classification (germline): Uncertain significance (1 of 4 stars; one submission).

Conditions:
Congenital myasthenic syndrome 8. Also called: MYASTHENIC SYNDROME, CONGENITAL, DUE TO AGRIN DEFICIENCY; Myasthenic syndrome, congenital, 8, with pre- and postsynaptic defects. Identifiers: Orphanet 590, MedGen C3808739, MONDO:0014052, OMIM 615120.

Submission:

Labcorp Genetics (formerly Invitae), Labcorp
Classification: Uncertain significance for Congenital myasthenic syndrome 8. Last evaluated: 2022-08-10. Review status: criteria provided, single submitter. Criteria: Invitae Variant Classification Sherloc (09022015). Collection method: clinical testing. Allele origin: germline.
Comment: In summary, the available evidence is currently insufficient to determine the role of this variant in disease. Therefore, it has been classified as a Variant of Uncertain Significance. Algorithms developed to predict the effect of missense changes on protein structure and function are either unavailable or do not agree on the potential impact of this missense change (SIFT: "Deleterious"; PolyPhen-2: "Possibly Damaging"; Align-GVGD: "Class C0"). ClinVar contains an entry for this variant (Variation ID: 1439094). This variant has not been reported in the literature in individuals affected with AGRN-related conditions. This variant is not present in population databases (gnomAD no frequency). This sequence change replaces isoleucine, which is neutral and non-polar, with asparagine, which is neutral and polar, at codon 961 of the AGRN protein (p.Ile961Asn).